The following is an entry in ClinVar:

NM_004370.6(COL12A1):c.8857G>A (p.Ala2953Thr)

Gene: COL12A1 (collagen type XII alpha 1 chain; minus strand). Cytogenetic location: 6q13.
Variant type: single nucleotide variant.
Coding change: c.8857G>A on transcript NM_004370.6 (MANE Select); coding-DNA position 8857, G replaced by A.
Protein change: p.Ala2953Thr; replaces alanine 2953 with threonine.
Molecular consequence: missense variant.
Genome position (GRCh38, 1-based): chr6:75,090,194, C>T on the plus strand (G>A on the coding strand, the complement: COL12A1 is on the minus strand). VCF-style: chr6-75090194-C-T. GRCh37 (hg19) VCF-style: chr6-75799910-C-T.
Other names: p.Ala2953Thr; c.8857G>A (NM_004370.5); c.8857G>A, p.Ala2953Thr (NM_001424113.1); c.8836G>A, p.Ala2946Thr (NM_001424114.1); c.8584G>A, p.Ala2862Thr (NM_001424115.1); c.5365G>A, p.Ala1789Thr (NM_001424116.1, NM_080645.3); short protein forms A1789T, A2862T, A2946T, A2953T.
Identifiers: ClinVar variation 3752084 (VCV003752084.4).

ClinVar aggregate classification (germline): Uncertain significance. Review status: criteria provided, multiple submitters, no conflicts (2 of 4 stars). 3 submissions from 3 submitters: Uncertain significance (3). Last evaluated 2025-07-15.

Conditions:
Ullrich congenital muscular dystrophy 2 (UCMD2). Identifiers: Orphanet 75840, MedGen C4225314, MONDO:0014654, OMIM 616470.
Bethlem myopathy 2 (BTHLM2). Identifiers: Orphanet 536516, Orphanet 610, MedGen C4225313, MONDO:0034022, OMIM 616471.
Inborn genetic diseases. Identifiers: MedGen C0950123, MeSH D030342.

gnomAD v4.1: 6 of 1,613,954 alleles (0.00037%); highest among the groups gnomAD compares: South Asian, 0.0011%; no homozygotes.

Submissions (3):

Ambry Genetics
Classification: Uncertain significance for Inborn genetic diseases. Last evaluated: 2025-07-15. Review status: criteria provided, single submitter. Criteria: Ambry Variant Classification Scheme 2023. Collection method: clinical testing. Allele origin: germline.

Mayo Clinic Laboratories, Mayo Clinic
Classification: Uncertain significance. Last evaluated: 2025-04-16. Review status: criteria provided, single submitter. Criteria: ACMG Guidelines, 2015. Collection method: clinical testing. Allele origin: germline. Observed: 1 variant allele.
Comment: BP4, PM2_supporting

Labcorp Genetics (formerly Invitae), Labcorp
Classification: Uncertain significance for Bethlem myopathy 2; Ullrich congenital muscular dystrophy 2. Last evaluated: 2024-12-07. Review status: criteria provided, single submitter. Criteria: Invitae Variant Classification Sherloc (09022015). Collection method: clinical testing. Allele origin: germline.
Comment: This sequence change replaces alanine, which is neutral and non-polar, with threonine, which is neutral and polar, at codon 2953 of the COL12A1 protein (p.Ala2953Thr). This variant is not present in population databases (gnomAD no frequency). This variant has not been reported in the literature in individuals affected with COL12A1-related conditions. An algorithm developed to predict the effect of missense changes on protein structure and function (PolyPhen-2) suggests that this variant is likely to be tolerated. In summary, the available evidence is currently insufficient to determine the role of this variant in disease. Therefore, it has been classified as a Variant of Uncertain Significance.